The following is an entry in ClinVar:

ClinVar aggregate classification (germline): Uncertain significance. Review status: criteria provided, multiple submitters, no conflicts (2 of 4 stars). 3 submissions from 3 submitters: Uncertain significance (3). Last evaluated 2025-07-02.

Allele frequency attached by ClinVar (database versions not stated): gnomAD 0.00002; gnomAD exomes 0.00002; TOPMed 0.00002; ExAC 0.00004.
gnomAD v4.1: 28 of 1,613,924 alleles (0.0017%); highest among the groups gnomAD compares: Middle Eastern, 0.016%; no homozygotes.

Submissions (3):

Mayo Clinic Laboratories, Mayo Clinic
Classification: Uncertain significance. Last evaluated: 2025-07-02. Review status: criteria provided, single submitter. Criteria: ACMG Guidelines, 2015. Collection method: clinical testing. Allele origin: germline. Observed: 1 variant allele.
Comment: PM2_supporting

Labcorp Genetics (formerly Invitae), Labcorp
Classification: Uncertain significance. Last evaluated: 2021-08-28. Review status: criteria provided, single submitter. Criteria: Invitae Variant Classification Sherloc (09022015). Collection method: clinical testing. Allele origin: germline.
Comment: This sequence change replaces valine with isoleucine at codon 388 of the ALDH3A2 protein (p.Val388Ile). The valine residue is highly conserved and there is a small physicochemical difference between valine and isoleucine. This variant is present in population databases (rs767493216, ExAC 0.03%). This variant has not been reported in the literature in individuals affected with ALDH3A2-related conditions. Algorithms developed to predict the effect of missense changes on protein structure and function are either unavailable or do not agree on the potential impact of this missense change (SIFT: "Tolerated"; PolyPhen-2: "Possibly Damaging"; Align-GVGD: "Class C0"). In summary, the available evidence is currently insufficient to determine the role of this variant in disease. Therefore, it has been classified as a Variant of Uncertain Significance.

Blueprint Genetics
Classification: Uncertain significance. Last evaluated: 2018-04-23. Review status: criteria provided, single submitter. Criteria: ACMG Guidelines, 2015. Collection method: clinical testing. Allele origin: germline.

NM_000382.3(ALDH3A2):c.1162G>A (p.Val388Ile)

Gene: ALDH3A2 (aldehyde dehydrogenase 3 family member A2; plus strand). Cytogenetic location: 17p11.2.
Variant type: single nucleotide variant.
Coding change: c.1162G>A on transcript NM_000382.3 (MANE Select); coding-DNA position 1162, G replaced by A.
Protein change: p.Val388Ile; replaces valine 388 with isoleucine.
Molecular consequence: missense variant.
Genome position (GRCh38, 1-based): chr17:19,665,002, G>A. VCF-style: chr17-19665002-G-A. GRCh37 (hg19) VCF-style: chr17-19568315-G-A.
Other names: p.Val388Ile; c.1162G>A, p.Val388Ile (NM_001031806.2, NM_001369136.1, NM_001369137.2 and 3 more transcripts); c.583G>A, p.Val195Ile (NM_001369148.2); short protein forms V195I, V388I.
Identifiers: ClinVar variation 2199095 (VCV002199095.3), dbSNP rs767493216, ClinGen allele CA8443026.